The following is an entry in ClinVar:

ClinVar aggregate classification (germline): Uncertain significance (1 of 4 stars; one submission).

Submission:

Mayo Clinic Laboratories, Mayo Clinic
Classification: Uncertain significance. Last evaluated: 2023-04-04. Review status: criteria provided, single submitter. Criteria: ACMG Guidelines, 2015. Collection method: clinical testing. Allele origin: germline. Observed: 2 variant alleles.
Comment: PP3, PM1, PM2_supporting

Literature cited by the submitters: PubMed 27905547; PubMed 28798244.

NM_000186.4(CFH):c.3326G>C (p.Cys1109Ser)

Gene: CFH (complement factor H; plus strand). Cytogenetic location: 1q31.3.
Variant type: single nucleotide variant.
Coding change: c.3326G>C on transcript NM_000186.4 (MANE Select); coding-DNA position 3326, G replaced by C.
Protein change: p.Cys1109Ser; replaces cysteine 1109 with serine.
Molecular consequence: missense variant.
Genome position (GRCh38, 1-based): chr1:196,745,832, G>C. VCF-style: chr1-196745832-G-C. GRCh37 (hg19) VCF-style: chr1-196714962-G-C.
Other names: p.Cys1109Ser; short protein forms C1109S.
Identifiers: ClinVar variation 2682690 (VCV002682690.1), dbSNP rs2529556534, ClinGen allele CA343984933.
Genomic context (GRCh38, chr1:196,745,832, plus strand): 5'-GATTTGCTCTCACAACAAATCAAGTGATGAAATGATGTTTTTTAGATTCTACAGGAAAAT[G>C]TGGGCCCCCTCCACCTATTGACAATGGGGACATTACTTCATTCCCGTTGTCAGTATATGC-3'
Protein context (NP_000177.2, residues 1099-1119): PPQCKDSTGK[Cys1109Ser]GPPPPIDNGD